The following is an entry in ClinVar:

ClinVar aggregate classification (germline): Pathogenic. Review status: criteria provided, multiple submitters, no conflicts (2 of 4 stars). 2 submissions from 2 submitters: Pathogenic (2). Last evaluated 2026-03-05.

Conditions:
Familial cancer of breast. Also called: Hereditary breast cancer; hereditary breast carcinoma; BREAST CANCER, FAMILIAL. Identifiers: Orphanet 227535, MedGen C0346153, MONDO:0016419, OMIM 114480. Disease mechanism: loss of function.
Hereditary cancer-predisposing syndrome. Also called: Neoplastic Syndromes, Hereditary; Tumor predisposition; Hereditary Cancer Syndrome; Hereditary neoplastic syndrome. Identifiers: Orphanet 140162, MedGen C0027672, MeSH D009386, MONDO:0015356.

Submissions (2):

Ambry Genetics
Classification: Pathogenic for Hereditary cancer-predisposing syndrome. Last evaluated: 2026-03-05. Review status: criteria provided, single submitter. Criteria: Ambry Variant Classification Scheme 2023. Collection method: clinical testing. Allele origin: germline.
Comment: The p.Q143* pathogenic mutation (also known as c.427C>T), located in coding exon 4 of the BRIP1 gene, results from a C to T substitution at nucleotide position 427. This changes the amino acid from a glutamine to a stop codon within coding exon 4. This variant is considered to be rare based on population cohorts in the Genome Aggregation Database (gnomAD). This alteration is expected to result in loss of function by premature protein truncation or nonsense-mediated mRNA decay. As such, this alteration is interpreted as a disease-causing mutation.

Myriad Genetics, Inc.
Classification: Pathogenic for Familial cancer of breast. Last evaluated: 2023-05-30. Review status: criteria provided, single submitter. Criteria: Myriad Autosomal Dominant, Autosomal Recessive and X-Linked Classification Criteria (2023). Collection method: clinical testing. Allele origin: unknown.
Comment: This variant is considered pathogenic. This variant creates a termination codon and is predicted to result in premature protein truncation.

NM_032043.3(BRIP1):c.427C>T (p.Gln143Ter)

Gene: BRIP1 (BRCA1 interacting DNA helicase 1; minus strand). Cytogenetic location: 17q23.2.
Variant type: single nucleotide variant.
Coding change: c.427C>T on transcript NM_032043.3 (MANE Select); coding-DNA position 427, C replaced by T.
Protein change: p.Gln143Ter; replaces glutamine 143 with a stop codon.
Molecular consequence: nonsense.
Genome position (GRCh38, 1-based): chr17:61,849,209, G>A on the plus strand (C>T on the coding strand, the complement: BRIP1 is on the minus strand). VCF-style: chr17-61849209-G-A. GRCh37 (hg19) VCF-style: chr17-59926570-G-A.
Other names: short protein forms Q143*.
Identifiers: ClinVar variation 2584163 (VCV002584163.3), dbSNP rs2545421165, ClinGen allele CA400484520.